The following is an entry in ClinVar:

ClinVar aggregate classification (germline): Uncertain significance (1 of 4 stars; one submission).

Allele frequency attached by ClinVar (database versions not stated): gnomAD exomes below 0.00001; ExAC 0.00001.
gnomAD v4.1: 1 of 1,614,000 alleles (0.000062%); no homozygotes.

Submission:

Labcorp Genetics (formerly Invitae), Labcorp
Classification: Uncertain significance. Last evaluated: 2024-10-23. Review status: criteria provided, single submitter. Criteria: Invitae Variant Classification Sherloc (09022015). Collection method: clinical testing. Allele origin: germline.
Comment: This sequence change replaces leucine, which is neutral and non-polar, with phenylalanine, which is neutral and non-polar, at codon 755 of the CEP250 protein (p.Leu755Phe). This variant is present in population databases (rs745788644, gnomAD 0.003%). This variant has not been reported in the literature in individuals affected with CEP250-related conditions. ClinVar contains an entry for this variant (Variation ID: 1037925). An algorithm developed to predict the effect of missense changes on protein structure and function (PolyPhen-2) suggests that this variant is likely to be tolerated. In summary, the available evidence is currently insufficient to determine the role of this variant in disease. Therefore, it has been classified as a Variant of Uncertain Significance.

NM_007186.6(CEP250):c.2263C>T (p.Leu755Phe)

Genes: CEP250 (centrosomal protein 250; plus strand), CEP250-AS1 (CEP250 antisense RNA 1; minus strand). Cytogenetic location: 20q11.22.
Variant type: single nucleotide variant.
Coding change: c.2263C>T on transcript NM_007186.6 (MANE Select); coding-DNA position 2263, C replaced by T.
Protein change: p.Leu755Phe; replaces leucine 755 with phenylalanine.
Molecular consequence: missense variant.
Genome position (GRCh38, 1-based): chr20:35,479,399, C>T. VCF-style: chr20-35479399-C-T. GRCh37 (hg19) VCF-style: chr20-34067224-C-T.
Other names: c.367C>T, p.Leu123Phe (NM_001318219.1); short protein forms L123F, L755F.
Identifiers: ClinVar variation 1037925 (VCV001037925.9), dbSNP rs745788644, ClinGen allele CA9833140.